The following is an entry in ClinVar:

ClinVar aggregate classification (germline): Benign (1 of 4 stars; one submission).

Allele frequency attached by ClinVar (database versions not stated): 1000 Genomes Project 0.01577; 1000 Genomes Project 30x 0.01671; gnomAD 0.01672 and 0.01810; TOPMed 0.01899.
gnomAD v4.1: 2,524 of 152,346 alleles (1.7%); highest among the groups gnomAD compares: African/African-American, 5.5%; 67 homozygotes.

Submission:

GeneDx
Classification: Benign. Last evaluated: 2018-06-19. Review status: criteria provided, single submitter. Criteria: GeneDx Variant Classification (06012015). Collection method: clinical testing. Allele origin: germline. Affected: yes.
Comment: This variant is considered likely benign or benign based on one or more of the following criteria: it is a conservative change, it occurs at a poorly conserved position in the protein, it is predicted to be benign by multiple in silico algorithms, and/or has population frequency not consistent with disease.

NM_001035.3(RYR2):c.6166+203A>G

Gene: RYR2 (ryanodine receptor 2; plus strand). Cytogenetic location: 1q43.
Variant type: single nucleotide variant.
Coding change: c.6166+203A>G on transcript NM_001035.3 (MANE Select); 203 bases into the intron after coding-DNA position 6166, A replaced by G.
Molecular consequence: intron variant.
Genome position (GRCh38, 1-based): chr1:237,626,007, A>G. VCF-style: chr1-237626007-A-G. GRCh37 (hg19) VCF-style: chr1-237789307-A-G.
Identifiers: ClinVar variation 675519 (VCV000675519.1), dbSNP rs16835502, ClinGen allele CA39838228.